The following is an entry in ClinVar:

ClinVar aggregate classification (germline): Uncertain significance (1 of 4 stars; one submission).

Conditions:
Kufor-Rakeb syndrome (KRS). Also called: PARKINSON DISEASE 9, AUTOSOMAL RECESSIVE, JUVENILE-ONSET. Identifiers: Orphanet 306674, Orphanet 314632, MedGen C1847640, MONDO:0011706, OMIM 606693.
Autosomal recessive spastic paraplegia type 78. Identifiers: Orphanet 513436, MedGen C5567893, MONDO:0014975, OMIM 617225.

Allele frequency attached by ClinVar (database versions not stated): ExAC 0.00001; gnomAD exomes 0.00001.
gnomAD v4.1: 6 of 1,614,162 alleles (0.00037%); highest among the groups gnomAD compares: South Asian, 0.0066%; no homozygotes.

Submission:

Labcorp Genetics (formerly Invitae), Labcorp
Classification: Uncertain significance for Kufor-Rakeb syndrome; Autosomal recessive spastic paraplegia type 78. Last evaluated: 2020-09-24. Review status: criteria provided, single submitter. Criteria: Invitae Variant Classification Sherloc (09022015). Collection method: clinical testing. Allele origin: germline.
Comment: This sequence change replaces leucine with valine at codon 462 of the ATP13A2 protein (p.Leu462Val). The leucine residue is highly conserved and there is a small physicochemical difference between leucine and valine. This variant is present in population databases (rs773341880, ExAC 0.006%). This variant has not been reported in the literature in individuals with ATP13A2-related conditions. Algorithms developed to predict the effect of missense changes on protein structure and function are either unavailable or do not agree on the potential impact of this missense change (SIFT: "Deleterious"; PolyPhen-2: "Probably Damaging"; Align-GVGD: "Class C0"). In summary, the available evidence is currently insufficient to determine the role of this variant in disease. Therefore, it has been classified as a Variant of Uncertain Significance.

NM_022089.4(ATP13A2):c.1384C>G (p.Leu462Val)

Gene: ATP13A2 (ATPase cation transporting 13A2; minus strand). Cytogenetic location: 1p36.13.
Variant type: single nucleotide variant.
Coding change: c.1384C>G on transcript NM_022089.4 (MANE Select); coding-DNA position 1384, C replaced by G.
Protein change: p.Leu462Val; replaces leucine 462 with valine.
Molecular consequence: missense variant.
Genome position (GRCh38, 1-based): chr1:16,996,134, G>C on the plus strand (C>G on the coding strand, the complement: ATP13A2 is on the minus strand). VCF-style: chr1-16996134-G-C. GRCh37 (hg19) VCF-style: chr1-17322629-G-C.
Other names: c.1369C>G, p.Leu457Val (NM_001141973.3, NM_001141974.3); short protein forms L457V, L462V.
Identifiers: ClinVar variation 1051520 (VCV001051520.5), dbSNP rs773341880, ClinGen allele CA637220.